The following is an entry in ClinVar:

ClinVar aggregate classification (germline): Uncertain significance (1 of 4 stars; one submission).

Submission:

CeGaT Center for Human Genetics Tuebingen
Classification: Uncertain significance. Last evaluated: 2025-03-01. Review status: criteria provided, single submitter. Criteria: CeGaT Center For Human Genetics Tuebingen Variant Classification Criteria Version 2. Collection method: clinical testing. Allele origin: germline. Affected: yes. Observed: 1 variant allele.
Comment: NEB: PM2

NM_001164508.2(NEB):c.5471A>G (p.Tyr1824Cys)

Gene: NEB (nebulin; minus strand). Cytogenetic location: 2q23.3.
Variant type: single nucleotide variant.
Coding change: c.5471A>G on transcript NM_001164508.2 (MANE Select); coding-DNA position 5471, A replaced by G.
Protein change: p.Tyr1824Cys; replaces tyrosine 1824 with cysteine.
Molecular consequence: missense variant.
Genome position (GRCh38, 1-based): chr2:151,663,840, T>C on the plus strand (A>G on the coding strand, the complement: NEB is on the minus strand). VCF-style: chr2-151663840-T-C. GRCh37 (hg19) VCF-style: chr2-152520354-T-C.
Other names: c.5471A>G, p.Tyr1824Cys (NM_004543.5, NM_001164507.2, NM_001271208.2); short protein forms Y1824C.
Identifiers: ClinVar variation 3778345 (VCV003778345.7).